The following is an entry in ClinVar:

NM_024334.3(TMEM43):c.1141G>A (p.Gly381Ser)

Gene: TMEM43 (transmembrane protein 43; plus strand). Cytogenetic location: 3p25.1.
Variant type: single nucleotide variant.
Coding change: c.1141G>A on transcript NM_024334.3 (MANE Select); coding-DNA position 1141, G replaced by A.
Protein change: p.Gly381Ser; replaces glycine 381 with serine.
Molecular consequence: missense variant.
Genome position (GRCh38, 1-based): chr3:14,141,733, G>A. VCF-style: chr3-14141733-G-A. GRCh37 (hg19) VCF-style: chr3-14183233-G-A.
Other names: p.G381S:GGC>AGC; short protein forms G381S.
Identifiers: ClinVar variation 202114 (VCV000202114.13), dbSNP rs767916602, ClinGen allele CA024594.

ClinVar aggregate classification (germline): Conflicting classifications of pathogenicity. Review status: criteria provided, conflicting classifications (1 of 4 stars). 7 submissions from 7 submitters: Uncertain significance (3); Likely benign (2). 2 of the submissions do not count toward it. Last evaluated 2025-10-13.

Conditions:
Cardiovascular phenotype. Identifiers: MedGen CN230736.
Cardiomyopathy (CMYO). Also called: Cardiomyopathies. Identifiers: Orphanet 167848, MedGen C0878544, MONDO:0004994, HP:0001638. Inheritance: Various modes of inheritance.
Arrhythmogenic right ventricular dysplasia 5. Also called: ARRHYTHMOGENIC RIGHT VENTRICULAR DYSPLASIA, FAMILIAL, 5; Arrhythmogenic Right Ventricular Dysplasia/Cardiomyopathy 5. Identifiers: MedGen C1858379, MONDO:0011459, OMIM 604400.

Allele frequency attached by ClinVar (database versions not stated): ExAC 0.00001; gnomAD 0.00001; gnomAD exomes 0.00002; TOPMed 0.00003.
gnomAD v4.1: 20 of 1,613,980 alleles (0.0012%); highest among the groups gnomAD compares: Admixed American, 0.005%; no homozygotes.

Submissions (7):

Labcorp Genetics (formerly Invitae), Labcorp
Classification: Uncertain significance for Arrhythmogenic right ventricular dysplasia 5. Last evaluated: 2025-10-13. Review status: criteria provided, single submitter. Criteria: Invitae Variant Classification Sherloc (09022015). Collection method: clinical testing. Allele origin: germline.
Comment: This sequence change replaces glycine, which is neutral and non-polar, with serine, which is neutral and polar, at codon 381 of the TMEM43 protein (p.Gly381Ser). This variant is present in population databases (rs767916602, gnomAD 0.009%). This variant has not been reported in the literature in individuals affected with TMEM43-related conditions. ClinVar contains an entry for this variant (Variation ID: 202114). Invitae Evidence Modeling of protein sequence and biophysical properties (such as structural, functional, and spatial information, amino acid conservation, physicochemical variation, residue mobility, and thermodynamic stability) indicates that this missense variant is not expected to disrupt TMEM43 protein function with a negative predictive value of 80%. In summary, the available evidence is currently insufficient to determine the role of this variant in disease. Therefore, it has been classified as a Variant of Uncertain Significance.

All of Us Research Program, National Institutes of Health
Classification: Uncertain significance for Arrhythmogenic right ventricular dysplasia 5. Last evaluated: 2024-09-23. Review status: criteria provided, single submitter. Criteria: ACMG Guidelines, 2015. Collection method: clinical testing. Allele origin: germline. Inheritance: Autosomal dominant inheritance. Observed: 3 variant alleles, 3 heterozygotes.
Comment: This missense variant replaces glycine with serine at codon 381 of the TMEM43 protein. Computational prediction suggests that this variant may not impact protein structure and function (internally defined REVEL score threshold <= 0.5, PMID: 27666373). To our knowledge, functional studies have not been reported for this variant. This variant has not been reported in individuals affected with cardiovascular disorders in the literature. This variant has been identified in 5/251366 chromosomes in the general population by the Genome Aggregation Database (gnomAD). The available evidence is insufficient to determine the role of this variant in disease conclusively. Therefore, this variant is classified as a Variant of Uncertain Significance.

This study involves interpretation of variants in research participants for the purpose of population health screening. Participant phenotype was not available at the time of variant classification. Additional details can be found in publication PMID: 35346344, PMCID: PMC8962531

Color Diagnostics, LLC DBA Color Health
Classification: Uncertain significance for Cardiomyopathy. Last evaluated: 2024-03-06. Review status: criteria provided, single submitter. Criteria: ACMG Guidelines, 2015. Collection method: clinical testing. Allele origin: germline.
Comment: This missense variant replaces glycine with serine at codon 381 of the TMEM43 protein. Computational prediction suggests that this variant may not impact protein structure and function (internally defined REVEL score threshold <= 0.5, PMID: 27666373). To our knowledge, functional studies have not been reported for this variant. This variant has not been reported in individuals affected with cardiovascular disorders in the literature. This variant has been identified in 5/251366 chromosomes in the general population by the Genome Aggregation Database (gnomAD). The available evidence is insufficient to determine the role of this variant in disease conclusively. Therefore, this variant is classified as a Variant of Uncertain Significance.

Ambry Genetics
Classification: Likely benign for Cardiovascular phenotype. Last evaluated: 2022-12-11. Review status: criteria provided, single submitter. Criteria: Ambry Variant Classification Scheme 2023. Collection method: clinical testing. Allele origin: germline.

GeneDx
Classification: Likely benign. Last evaluated: 2011-08-17. Review status: criteria provided, single submitter. Criteria: GeneDx Variant Classification (06012015). Collection method: clinical testing. Allele origin: germline. Affected: yes.
Comment: This variant is considered likely benign or benign based on one or more of the following criteria: it is a conservative change, it occurs at a poorly conserved position in the protein, it is predicted to be benign by multiple in silico algorithms, and/or has population frequency not consistent with disease.

Clinical Genetics, Academic Medical Center
Classification: Benign. Review status: no assertion criteria provided. Collection method: clinical testing. Allele origin: germline. Affected: yes. Study: VKGL Data-share Consensus. Not counted in ClinVar's aggregate classification.

Genome Diagnostics Laboratory, University Medical Center Utrecht
Classification: Likely benign. Review status: no assertion criteria provided. Collection method: clinical testing. Allele origin: germline. Affected: yes. Study: VKGL Data-share Consensus. Not counted in ClinVar's aggregate classification.